The following is an entry in ClinVar:

NM_004304.5(ALK):c.935C>G (p.Ser312Cys)

Gene: ALK (ALK receptor tyrosine kinase; minus strand). Cytogenetic location: 2p23.2.
Variant type: single nucleotide variant.
Coding change: c.935C>G on transcript NM_004304.5 (MANE Select); coding-DNA position 935, C replaced by G.
Protein change: p.Ser312Cys; replaces serine 312 with cysteine.
Molecular consequence: missense variant.
Genome position (GRCh38, 1-based): chr2:29,694,867, G>C on the plus strand (C>G on the coding strand, the complement: ALK is on the minus strand). VCF-style: chr2-29694867-G-C. GRCh37 (hg19) VCF-style: chr2-29917733-G-C.
Other names: short protein forms S312C.
Identifiers: ClinVar variation 2586715 (VCV002586715.2), dbSNP rs772219619, ClinGen allele CA346586845.

ClinVar aggregate classification (germline): Uncertain significance (1 of 4 stars; one submission).

Conditions:
Hereditary cancer-predisposing syndrome. Also called: Hereditary neoplastic syndrome; Tumor predisposition; Hereditary Cancer Syndrome; Neoplastic Syndromes, Hereditary. Identifiers: Orphanet 140162, MedGen C0027672, MeSH D009386, MONDO:0015356.

Submission:

Ambry Genetics
Classification: Uncertain significance for Hereditary cancer-predisposing syndrome. Last evaluated: 2023-09-07. Review status: criteria provided, single submitter. Criteria: Ambry Variant Classification Scheme 2023. Collection method: clinical testing. Allele origin: germline.
Comment: The p.S312C variant (also known as c.935C>G), located in coding exon 3 of the ALK gene, results from a C to G substitution at nucleotide position 935. The serine at codon 312 is replaced by cysteine, an amino acid with dissimilar properties. This amino acid position is conserved. In addition, this alteration is predicted to be tolerated by in silico analysis. Since supporting evidence is limited at this time, the clinical significance of this alteration remains unclear.